The following is an entry in ClinVar:

ClinVar aggregate classification (germline): Uncertain significance (1 of 4 stars; one submission).

Conditions:
Dilated cardiomyopathy 1G (CMD1G). Identifiers: Orphanet 154, MedGen C1858763, MONDO:0011400, OMIM 604145.
Autosomal recessive limb-girdle muscular dystrophy type 2J (LGMDR10). Also called: Limb-girdle muscular dystrophy, type 2J; MUSCULAR DYSTROPHY, LIMB-GIRDLE, AUTOSOMAL RECESSIVE 10. Identifiers: Orphanet 140922, MedGen C1837342, MONDO:0012127, OMIM 608807.

Allele frequency attached by ClinVar (database versions not stated): gnomAD exomes 0.00001.
gnomAD v4.1: 3 of 1,613,884 alleles (0.00019%); highest among the groups gnomAD compares: Admixed American, 0.005%; no homozygotes.

Submission:

Labcorp Genetics (formerly Invitae), Labcorp
Classification: Uncertain significance for Dilated cardiomyopathy 1G; Autosomal recessive limb-girdle muscular dystrophy type 2J. Last evaluated: 2023-04-25. Review status: criteria provided, single submitter. Criteria: Invitae Variant Classification Sherloc (09022015). Collection method: clinical testing. Allele origin: germline.
Comment: ClinVar contains an entry for this variant (Variation ID: 1902494). In summary, the available evidence is currently insufficient to determine the role of this variant in disease. Therefore, it has been classified as a Variant of Uncertain Significance. This variant is located in the M band of TTN (PMID: 25589632). Variants in this region may be relevant for neuromuscular disorders, but have not been definitively shown to cause cardiomyopathy (PMID: 23975875). Experimental studies and prediction algorithms are not available or were not evaluated, and the functional significance of this variant is currently unknown. This variant has not been reported in the literature in individuals affected with TTN-related conditions. This variant is present in population databases (no rsID available, gnomAD 0.009%). This sequence change replaces glycine, which is neutral and non-polar, with serine, which is neutral and polar, at codon 34216 of the TTN protein (p.Gly34216Ser).

Literature cited by the submitters: PubMed 25589632; PubMed 23975875.

NM_001267550.2(TTN):c.102646G>A (p.Gly34216Ser)

Genes: TTN (titin; minus strand), TTN-AS1 (TTN antisense RNA 1; plus strand). Cytogenetic location: 2q31.2.
Variant type: single nucleotide variant.
Coding change: c.102646G>A on transcript NM_001267550.2 (MANE Select); coding-DNA position 102646, G replaced by A.
Protein change: p.Gly34216Ser; replaces glycine 34216 with serine.
Molecular consequence: missense variant.
Genome position (GRCh38, 1-based): chr2:178,533,969, C>T on the plus strand (G>A on the coding strand, the complement: TTN is on the minus strand). VCF-style: chr2-178533969-C-T. GRCh37 (hg19) VCF-style: chr2-179398696-C-T.
Other names: c.97723G>A, p.Gly32575Ser (NM_001256850.1); c.75451G>A, p.Gly25151Ser (NM_003319.4); c.94942G>A, p.Gly31648Ser (NM_133378.4); c.75826G>A, p.Gly25276Ser (NM_133432.3); c.76027G>A, p.Gly25343Ser (NM_133437.4); short protein forms G25151S, G34216S, G25343S, G25276S, G31648S, G32575S.
Identifiers: ClinVar variation 1902494 (VCV001902494.3), dbSNP rs1332571612, ClinGen allele CA349417073.